The following is an entry in ClinVar:

ClinVar aggregate classification (germline): Uncertain significance. Review status: criteria provided, multiple submitters, no conflicts (2 of 4 stars). 3 submissions from 3 submitters: Uncertain significance (3). Last evaluated 2022-10-05.

Conditions:
Emery-Dreifuss muscular dystrophy 4, autosomal dominant (EDMD4). Also called: EMERY-DREIFUSS MUSCULAR DYSTROPHY 4 WITH VARIABLE FEATURES. Identifiers: Orphanet 261, MedGen C2751807, MONDO:0013071, OMIM 612998.
Autosomal recessive ataxia, Beauce type. Also called: Spinocerebellar ataxia, autosomal recessive 8; ATAXIA, RECESSIVE, OF BEAUCE; SYNE1-Related Autosomal Recessive Cerebellar Ataxia; SYNE1 Deficiency. Identifiers: Orphanet 88644, MedGen C1853116, MONDO:0012549, OMIM 610743.

Allele frequency attached by ClinVar (database versions not stated): TOPMed 0.00004; gnomAD 0.00005; gnomAD exomes 0.00006; ExAC 0.00008; ESP Exome Variant Server 0.00008.
gnomAD v4.1: 47 of 1,613,652 alleles (0.0029%); highest among the groups gnomAD compares: Middle Eastern, 0.033%; 1 homozygote.

Submissions (3):

Labcorp Genetics (formerly Invitae), Labcorp
Classification: Uncertain significance for Emery-Dreifuss muscular dystrophy 4, autosomal dominant; Autosomal recessive ataxia, Beauce type. Last evaluated: 2022-10-05. Review status: criteria provided, single submitter. Criteria: Invitae Variant Classification Sherloc (09022015). Collection method: clinical testing. Allele origin: germline.
Comment: This sequence change replaces arginine, which is basic and polar, with tryptophan, which is neutral and slightly polar, at codon 6506 of the SYNE1 protein (p.Arg6506Trp). This variant is present in population databases (rs368534747, gnomAD 0.03%). This variant has not been reported in the literature in individuals affected with SYNE1-related conditions. ClinVar contains an entry for this variant (Variation ID: 471017). Algorithms developed to predict the effect of missense changes on protein structure and function are either unavailable or do not agree on the potential impact of this missense change (SIFT: "Deleterious"; PolyPhen-2: "Benign"; Align-GVGD: "Class C0"). In summary, the available evidence is currently insufficient to determine the role of this variant in disease. Therefore, it has been classified as a Variant of Uncertain Significance.

Revvity Omics, Revvity
Classification: Uncertain significance. Last evaluated: 2022-05-25. Review status: criteria provided, single submitter. Criteria: ACMG Guidelines, 2015. Collection method: clinical testing. Allele origin: germline.

Blueprint Genetics
Classification: Uncertain significance. Last evaluated: 2020-09-29. Review status: criteria provided, single submitter. Criteria: ACMG Guidelines, 2015. Collection method: clinical testing. Allele origin: germline.

NM_182961.4(SYNE1):c.19729C>T (p.Arg6577Trp)

Gene: SYNE1 (spectrin repeat containing nuclear envelope protein 1; minus strand). Cytogenetic location: 6q25.2.
Variant type: single nucleotide variant.
Coding change: c.19729C>T on transcript NM_182961.4 (MANE Select); coding-DNA position 19729, C replaced by T.
Protein change: p.Arg6577Trp; replaces arginine 6577 with tryptophan.
Molecular consequence: missense variant.
Genome position (GRCh38, 1-based): chr6:152,242,404, G>A on the plus strand (C>T on the coding strand, the complement: SYNE1 is on the minus strand). VCF-style: chr6-152242404-G-A. GRCh37 (hg19) VCF-style: chr6-152563539-G-A.
Other names: c.19516C>T, p.Arg6506Trp (NM_033071.5); short protein forms R6577W, R6506W.
Identifiers: ClinVar variation 471017 (VCV000471017.9), dbSNP rs368534747, ClinGen allele CA4054581.
Genomic context (GRCh38, chr6:152,242,404, plus strand): 5'-CTTGTAGGGCCCTCTCATACTGACTCTTGAGTGTAAGGTTCTGATTCAGACCACTCCTCC[G>A]GGAGCCAATGATCATCATCAGCTCATCATACATGTCCTAAGAAGCAGAGACCACAAGACT-3'
Protein context (NP_892006.3, residues 6567-6587): YDELMMIIGS[Arg6577Trp]RSGLNQNLTL